The following is an entry in ClinVar:

NM_001163435.3(TBCK):c.2468C>A (p.Thr823Asn)

Gene: TBCK (TBC1 domain containing kinase; minus strand). Cytogenetic location: 4q24.
Variant type: single nucleotide variant.
Coding change: c.2468C>A on transcript NM_001163435.3 (MANE Select); coding-DNA position 2468, C replaced by A.
Protein change: p.Thr823Asn; replaces threonine 823 with asparagine.
Molecular consequence: missense variant.
Genome position (GRCh38, 1-based): chr4:106,095,585, G>T on the plus strand (C>A on the coding strand, the complement: TBCK is on the minus strand). VCF-style: chr4-106095585-G-T. GRCh37 (hg19) VCF-style: chr4-107016742-G-T.
Other names: c.2468C>A, p.Thr823Asn (NM_001163436.4); c.2351C>A, p.Thr784Asn (NM_001163437.3); c.1952C>A, p.Thr651Asn (NM_001290768.2); c.2279C>A, p.Thr760Asn (NM_033115.5); short protein forms T651N, T823N, T784N, T760N.
Identifiers: ClinVar variation 2096852 (VCV002096852.4), dbSNP rs61733982, ClinGen allele CA357970767.

ClinVar aggregate classification (germline): Uncertain significance (1 of 4 stars; one submission).

Submission:

Labcorp Genetics (formerly Invitae), Labcorp
Classification: Uncertain significance. Last evaluated: 2022-02-11. Review status: criteria provided, single submitter. Criteria: Invitae Variant Classification Sherloc (09022015). Collection method: clinical testing. Allele origin: germline.
Comment: In summary, the available evidence is currently insufficient to determine the role of this variant in disease. Therefore, it has been classified as a Variant of Uncertain Significance. Algorithms developed to predict the effect of missense changes on protein structure and function (SIFT, PolyPhen-2, Align-GVGD) all suggest that this variant is likely to be tolerated. This variant has not been reported in the literature in individuals affected with TBCK-related conditions. This variant is not present in population databases (gnomAD no frequency). This sequence change replaces threonine, which is neutral and polar, with asparagine, which is neutral and polar, at codon 823 of the TBCK protein (p.Thr823Asn).